The following is an entry in ClinVar:

ClinVar aggregate classification (germline): Uncertain significance (1 of 4 stars; one submission).

Submission:

Ambry Genetics
Classification: Uncertain significance. Last evaluated: 2024-10-12. Review status: criteria provided, single submitter. Criteria: Ambry Variant Classification Scheme 2023. Collection method: clinical testing. Allele origin: germline.
Comment: The p.P184H variant (also known as c.551C>A), located in coding exon 1 of the EGLN2 gene, results from a C to A substitution at nucleotide position 551. The proline at codon 184 is replaced by histidine, an amino acid with similar properties. This amino acid position is conserved. In addition, the in silico prediction for this alteration is inconclusive. Based on the available evidence, the clinical significance of this variant remains unclear.

NM_080732.4(EGLN2):c.551C>A (p.Pro184His)

Genes: EGLN2 (egl-9 family hypoxia inducible factor 2; plus strand), RAB4B-EGLN2 (RAB4B-EGLN2 readthrough (NMD candidate); plus strand). Cytogenetic location: 19q13.2.
Variant type: single nucleotide variant.
Coding change: c.551C>A on transcript NM_080732.4 (MANE Select); coding-DNA position 551, C replaced by A.
Protein change: p.Pro184His; replaces proline 184 with histidine.
Molecular consequence: missense variant. On other transcripts: non-coding transcript variant (1).
Genome position (GRCh38, 1-based): chr19:40,801,123, C>A. VCF-style: chr19-40801123-C-A. GRCh37 (hg19) VCF-style: chr19-41307028-C-A.
Other names: c.551C>A, p.Pro184His (NM_053046.4); short protein forms P184H.
Identifiers: ClinVar variation 3507295 (VCV003507295.1).